The following is an entry in ClinVar:

ClinVar aggregate classification (germline): Uncertain significance (1 of 4 stars; one submission).

Conditions:
Cataract 39 multiple types. Also called: Cataract 39, multiple types, autosomal dominant. Identifiers: Orphanet 91492, MedGen C3808800, MONDO:0014075, OMIM 615188.

Allele frequency attached by ClinVar (database versions not stated): gnomAD exomes 0.00001 and 0.00004; ExAC 0.00003; 1000 Genomes Project 30x 0.00016; gnomAD 0.00019 and 0.00020; 1000 Genomes Project 0.00020; TOPMed 0.00022; ESP Exome Variant Server 0.00038.
gnomAD v4.1: 53 of 1,614,176 alleles (0.0033%); highest among the groups gnomAD compares: African/African-American, 0.065%; no homozygotes.

Submission:

Labcorp Genetics (formerly Invitae), Labcorp
Classification: Uncertain significance for Cataract 39 multiple types. Last evaluated: 2022-03-10. Review status: criteria provided, single submitter. Criteria: Invitae Variant Classification Sherloc (09022015). Collection method: clinical testing. Allele origin: germline.
Comment: In summary, the available evidence is currently insufficient to determine the role of this variant in disease. Therefore, it has been classified as a Variant of Uncertain Significance. Algorithms developed to predict the effect of missense changes on protein structure and function (SIFT, PolyPhen-2, Align-GVGD) all suggest that this variant is likely to be tolerated. This variant has not been reported in the literature in individuals affected with CRYGB-related conditions. This variant is present in population databases (rs144172331, gnomAD 0.05%). This sequence change replaces arginine, which is basic and polar, with lysine, which is basic and polar, at codon 143 of the CRYGB protein (p.Arg143Lys).

NM_005210.4(CRYGB):c.428G>A (p.Arg143Lys)

Genes: CRYGB (crystallin gamma B; minus strand), LOC100507443 (uncharacterized LOC100507443; plus strand). Cytogenetic location: 2q33.3.
Variant type: single nucleotide variant.
Coding change: c.428G>A on transcript NM_005210.4 (MANE Select); coding-DNA position 428, G replaced by A.
Protein change: p.Arg143Lys; replaces arginine 143 with lysine.
Molecular consequence: missense variant.
Genome position (GRCh38, 1-based): chr2:208,142,738, C>T on the plus strand (G>A on the coding strand, the complement: CRYGB is on the minus strand). VCF-style: chr2-208142738-C-T. GRCh37 (hg19) VCF-style: chr2-209007462-C-T.
Other names: short protein forms R143K.
Identifiers: ClinVar variation 1507890 (VCV001507890.6), dbSNP rs144172331, ClinGen allele CA2078053.